The following is an entry in ClinVar:

ClinVar aggregate classification (germline): Pathogenic. Review status: reviewed by expert panel (3 of 4 stars). 4 submissions from 4 submitters: Pathogenic (1). 3 of the submissions do not count toward it. Last evaluated 2017-12-15.

Conditions:
Hereditary breast ovarian cancer syndrome. Also called: Hereditary breast and ovarian cancer syndrome (HBOC); BRCA1- and BRCA2-Associated Hereditary Breast and Ovarian Cancer; Hereditary breast and/or ovarian cancer syndrome; Hereditary breast and ovarian cancer syndrome; Hereditary breast and ovarian cancer; Breast and ovarian cancer. Identifiers: Orphanet 145, MedGen C0677776, MeSH D061325, MONDO:0003582. Disease mechanism: loss of function.
Hereditary cancer-predisposing syndrome. Also called: Neoplastic Syndromes, Hereditary; Hereditary neoplastic syndrome; Tumor predisposition; Hereditary Cancer Syndrome. Identifiers: Orphanet 140162, MedGen C0027672, MeSH D009386, MONDO:0015356.
Breast-ovarian cancer, familial, susceptibility to, 1 (BROVCA1). Also called: BRCA1 Hereditary Breast and Ovarian Cancer; OVARIAN CANCER, SUSCEPTIBILITY TO. Identifiers: Orphanet 145, MedGen C2676676, MONDO:0011450, OMIM 604370. Disease mechanism: loss of function.

Submissions (4):

Evidence-based Network for the Interpretation of Germline Mutant Alleles (ENIGMA)
Classification: Pathogenic for Breast-ovarian cancer, familial, susceptibility to, 1. Last evaluated: 2017-12-15. Review status: reviewed by expert panel. Criteria: ENIGMA BRCA1/2 Classification Criteria (2017-06-29). Collection method: curation. Allele origin: germline. Study: ENIGMA.
Comment: Variant allele predicted to encode a truncated non-functional protein.

Labcorp Genetics (formerly Invitae), Labcorp
Classification: Pathogenic for Hereditary breast ovarian cancer syndrome. Last evaluated: 2024-04-15. Review status: criteria provided, single submitter. Criteria: Invitae Variant Classification Sherloc (09022015). Collection method: clinical testing. Allele origin: germline. Not counted in ClinVar's aggregate classification.
Comment: This sequence change creates a premature translational stop signal (p.Ser1363*) in the BRCA1 gene. It is expected to result in an absent or disrupted protein product. Loss-of-function variants in BRCA1 are known to be pathogenic (PMID: 20104584). This variant is not present in population databases (gnomAD no frequency). This variant has not been reported in the literature in individuals affected with BRCA1-related conditions. ClinVar contains an entry for this variant (Variation ID: 441374). Algorithms developed to predict the effect of sequence changes on RNA splicing suggest that this variant may disrupt the consensus splice site. For these reasons, this variant has been classified as Pathogenic.

All of Us Research Program, National Institutes of Health
Classification: Pathogenic for Breast-ovarian cancer, familial, susceptibility to, 1. Last evaluated: 2023-12-11. Review status: criteria provided, single submitter. Criteria: ACMG Guidelines, 2015. Collection method: clinical testing. Allele origin: germline. Inheritance: Autosomal dominant inheritance. Observed: 1 variant allele, 1 heterozygote. Not counted in ClinVar's aggregate classification.
Comment: The c.4088C>A (p.Ser1363*) variant of the BRCA1 gene creates an early stop codon. It is expected to result in an absent or disrupted protein product. This variant has been reported in a breast cancer study (PMID: 23034506). This variant has not been identified in the general population by the Genome Aggregation Database (gnomAD). Truncating variants in BRCA1 are known to be pathogenic (PMID: 21989022, 17661172, 22762150). Therefore, this variant is classified as pathogenic.

This study involves interpretation of variants in research participants for the purpose of population health screening. Participant phenotype was not available at the time of variant classification. Additional details can be found in publication PMID: 35346344, PMCID: PMC8962531

Ambry Genetics
Classification: Pathogenic for Hereditary cancer-predisposing syndrome. Last evaluated: 2021-11-03. Review status: criteria provided, single submitter. Criteria: Ambry Variant Classification Scheme 2023. Collection method: clinical testing. Allele origin: germline. Not counted in ClinVar's aggregate classification.
Comment: The p.S1363* variant (also known as c.4088C>A), located in coding exon 9 of the BRCA1 gene, results from a C to A substitution at nucleotide position 4088. This changes the amino acid from a serine to a stop codon within coding exon 9. This alteration was previously reported in a breast cancer patient in one study that was aimed at developing novel diagnostic applications (Michils G et al J Mol Diagn. 2012 Nov;14(6):623-30). This variant is considered to be rare based on population cohorts in the Genome Aggregation Database (gnomAD). In addition to the clinical data presented in the literature, this alteration is expected to result in loss of function by premature protein truncation or nonsense-mediated mRNA decay. As such, this alteration is interpreted as a disease-causing mutation.

Literature cited by the submitters: PubMed 20104584 (cited by Labcorp Genetics (formerly Invitae), Labcorp); PubMed 17661172 (cited by All of Us Research Program, National Institutes of Health); PubMed 21989022 (cited by All of Us Research Program, National Institutes of Health); PubMed 22762150 (cited by All of Us Research Program, National Institutes of Health); PubMed 23034506 (cited by All of Us Research Program, National Institutes of Health).

NM_007294.4(BRCA1):c.4088C>A (p.Ser1363Ter)

Genes: BRCA1 (BRCA1 DNA repair associated; minus strand), LOC126862571 (BRD4-independent group 4 enhancer GRCh37_chr17:41243136-41244335; plus strand). Cytogenetic location: 17q21.31.
Variant type: single nucleotide variant.
Coding change: c.4088C>A on transcript NM_007294.4 (MANE Select); coding-DNA position 4088, C replaced by A.
Protein change: p.Ser1363Ter; replaces serine 1363 with a stop codon.
Molecular consequence: nonsense. On other transcripts: intron variant (135).
Genome position (GRCh38, 1-based): chr17:43,091,443, G>T on the plus strand (C>A on the coding strand, the complement: BRCA1 is on the minus strand). VCF-style: chr17-43091443-G-T. GRCh37 (hg19) VCF-style: chr17-41243460-G-T.
Other names: c.4088C>A, p.Ser1363Ter (NM_001407593.1, NM_001407594.1, NM_001407596.1 and 30 more transcripts); c.4085C>A, p.Ser1362Ter (NM_001407610.1, NM_001407611.1, NM_001407612.1 and 22 more transcripts); c.4079C>A, p.Ser1360Ter (NM_001407646.1, NM_001407647.1); c.3965C>A, p.Ser1322Ter (NM_001407648.1, NM_001407664.1, NM_001407665.1 and 19 more transcripts); c.3962C>A, p.Ser1321Ter (NM_001407649.1, NM_001407670.1, NM_001407671.1 and 11 more transcripts); c.4010C>A, p.Ser1337Ter (NM_001407653.1, NM_001407654.1, NM_001407655.1 and 4 more transcripts); c.4007C>A, p.Ser1336Ter (NM_001407659.1, NM_001407660.1, NM_001407661.1 and 1 more transcripts); c.3947C>A, p.Ser1316Ter (NM_001407692.1, NM_001407694.1, NM_001407695.1 and 29 more transcripts); and 41 more; short protein forms S1363*, S1316*, S1067*, S1251*, S1293*, S1321*, S495*, S1236*.
Identifiers: ClinVar variation 441374 (VCV000441374.15), dbSNP rs398122680, ClinGen allele CA10593781.